The following is an entry in ClinVar:

ClinVar aggregate classification (germline): Uncertain significance (1 of 4 stars; one submission).

Conditions:
Generalized epilepsy-paroxysmal dyskinesia syndrome (PNKD3). Also called: Paroxysmal nonkinesigenic dyskinesia, 3, with or without generalized epilepsy; Generalized epilepsy and paroxysmal dyskinesia. Identifiers: Orphanet 79137, MedGen C5574945, MONDO:0012276, OMIM 609446.

Allele frequency attached by ClinVar (database versions not stated): gnomAD exomes below 0.00001.
gnomAD v4.1: 1 of 1,613,736 alleles (0.000062%); highest among the groups gnomAD compares: Non-Finnish European, 0.000085%; no homozygotes.

Submission:

Labcorp Genetics (formerly Invitae), Labcorp
Classification: Uncertain significance for Generalized epilepsy-paroxysmal dyskinesia syndrome. Last evaluated: 2022-06-26. Review status: criteria provided, single submitter. Criteria: Invitae Variant Classification Sherloc (09022015). Collection method: clinical testing. Allele origin: germline.
Comment: This sequence change replaces aspartic acid, which is acidic and polar, with glycine, which is neutral and non-polar, at codon 745 of the KCNMA1 protein (p.Asp745Gly). This variant is not present in population databases (gnomAD no frequency). This variant has not been reported in the literature in individuals affected with KCNMA1-related conditions. Algorithms developed to predict the effect of missense changes on protein structure and function are either unavailable or do not agree on the potential impact of this missense change (SIFT: "Deleterious"; PolyPhen-2: "Possibly Damaging"; Align-GVGD: "Class C0"). In summary, the available evidence is currently insufficient to determine the role of this variant in disease. Therefore, it has been classified as a Variant of Uncertain Significance.

NM_001161352.2(KCNMA1):c.2408A>G (p.Asp803Gly)

Genes: KCNMA1 (potassium calcium-activated channel subfamily M alpha 1; minus strand), KCNMA1-AS1 (KCNMA1 antisense RNA 1; plus strand). Cytogenetic location: 10q22.3.
Variant type: single nucleotide variant.
Coding change: c.2408A>G on transcript NM_001161352.2 (MANE Select); coding-DNA position 2408, A replaced by G.
Protein change: p.Asp803Gly; replaces aspartic acid 803 with glycine.
Molecular consequence: missense variant.
Genome position (GRCh38, 1-based): chr10:76,953,877, T>C on the plus strand (A>G on the coding strand, the complement: KCNMA1 is on the minus strand). VCF-style: chr10-76953877-T-C. GRCh37 (hg19) VCF-style: chr10-78713635-T-C.
Other names: c.2246A>G, p.Asp749Gly (NM_001014797.3, NM_001322835.2, NM_001322837.2); c.2234A>G, p.Asp745Gly (NM_001161353.2, NM_001322832.2, NM_001410940.1 and 1 more transcripts); c.2084A>G, p.Asp695Gly (NM_001271518.2); c.2243A>G, p.Asp748Gly (NM_001271519.2, NM_001322829.2, NM_001322836.2); c.2255A>G, p.Asp752Gly (NM_001322830.2); c.1781A>G, p.Asp594Gly (NM_001322838.2); short protein forms D745G, D803G, D695G, D594G, D748G, D749G, D752G.
Identifiers: ClinVar variation 1947639 (VCV001947639.5), dbSNP rs2067187945, ClinGen allele CA377407703.
Genomic context (GRCh38, chr10:76,953,877, plus strand): 5'-ATCTCCTTGGGTGCACACCAGTGAAACATCCCAGTAGAGTCGTACTTCTTCACATTGGAG[T>C]CCATGTTGTCAATCTGATCATTGCCAGGAATTAACAAGGGGTCATGCCTGGGAAGAAAAG-3'
Protein context (NP_001154824.1, residues 793-813): IPGNDQIDNM[Asp803Gly]SNVKKYDSTG